The following is an entry in ClinVar:

ClinVar aggregate classification (germline): Likely benign. Review status: criteria provided, multiple submitters, no conflicts (2 of 4 stars). 6 submissions from 6 submitters: Likely benign (5). 1 of the submissions does not count toward it. Last evaluated 2026-01-07.

Conditions:
Dyskeratosis congenita, autosomal dominant 2. Identifiers: MedGen C3151443, MONDO:0013521, OMIM 613989.
Idiopathic Pulmonary Fibrosis. Also called: Idiopathic fibrosing alveolitis, chronic form; idiopathic fibrosing alveolitis. Identifiers: Orphanet 2032, MedGen C1800706, MeSH D054990, MONDO:0800504.
Dyskeratosis congenita. Identifiers: Orphanet 1775, MedGen C0265965, MONDO:0015780.
TERT-related disorder. Also called: TERT-related condition; TERT-related disorders.

Allele frequency attached by ClinVar (database versions not stated): gnomAD exomes 0.00003 and 0.00006; ExAC 0.00006; TOPMed 0.00008; gnomAD 0.00009 and 0.00010.
gnomAD v4.1: 57 of 1,554,102 alleles (0.0037%); highest among the groups gnomAD compares: South Asian, 0.02%; no homozygotes.

Submissions (6):

Labcorp Genetics (formerly Invitae), Labcorp
Classification: Likely benign for Dyskeratosis congenita, autosomal dominant 2; Idiopathic Pulmonary Fibrosis. Last evaluated: 2026-01-07. Review status: criteria provided, single submitter. Criteria: Invitae Variant Classification Sherloc (09022015). Collection method: clinical testing. Allele origin: germline.

Blueprint Genetics
Classification: Likely benign. Last evaluated: 2023-10-17. Review status: criteria provided, single submitter. Criteria: ACMG Guidelines, 2015. Collection method: clinical testing. Allele origin: germline.

Ambry Genetics
Classification: Likely benign for Dyskeratosis congenita. Last evaluated: 2022-02-14. Review status: criteria provided, single submitter. Criteria: Ambry Variant Classification Scheme 2023. Collection method: clinical testing. Allele origin: germline.

Genetic Services Laboratory, University of Chicago
Classification: Likely benign. Last evaluated: 2021-05-24. Review status: criteria provided, single submitter. Criteria: ACMG Guidelines, 2015. Collection method: clinical testing. Allele origin: germline. Affected: no.

Sema4
Classification: Likely benign for Dyskeratosis congenita. Last evaluated: 2021-04-15. Review status: criteria provided, single submitter. Criteria: Sema4 Curation Guidelines. Collection method: curation. Allele origin: germline.

PreventionGenetics, part of Exact Sciences
Classification: Likely benign for TERT-related condition. Last evaluated: 2024-07-31. Review status: no assertion criteria provided. Collection method: clinical testing. Allele origin: germline. Not counted in ClinVar's aggregate classification.
Comment: This variant is classified as likely benign based on ACMG/AMP sequence variant interpretation guidelines (Richards et al. 2015 PMID: 25741868, with internal and published modifications).

NM_198253.3(TERT):c.2019C>T (p.Pro673=)

Gene: TERT (telomerase reverse transcriptase; minus strand). Cytogenetic location: 5p15.33.
Variant type: single nucleotide variant.
Coding change: c.2019C>T on transcript NM_198253.3 (MANE Select); coding-DNA position 2019, C replaced by T.
Protein change: p.Pro673=; no amino-acid change (proline 673 retained).
Molecular consequence: synonymous variant. On other transcripts: non-coding transcript variant (2).
Genome position (GRCh38, 1-based): chr5:1,279,402, G>A on the plus strand (C>T on the coding strand, the complement: TERT is on the minus strand). VCF-style: chr5-1279402-G-A. GRCh37 (hg19) VCF-style: chr5-1279517-G-A.
Other names: c.2019C>T, p.Pro673= (NM_001193376.3).
Identifiers: ClinVar variation 539268 (VCV000539268.20), dbSNP rs762941707, ClinGen allele CA3184685.